The following is an entry in ClinVar:

NM_000501.4(ELN):c.1177_1178dup (p.Ile394fs)

Gene: ELN (elastin; plus strand). Cytogenetic location: 7q11.23.
Variant type: Duplication.
Coding change: c.1177_1178dup on transcript NM_000501.4 (MANE Select); coding-DNA positions 1177 to 1178, 2 bases duplicated (GG; older notation c.1177_1178dupGG).
Protein change: p.Ile394fs; shifts the reading frame from isoleucine 394.
Molecular consequence: frameshift variant.
Genome position (GRCh38, 1-based): chr7:74,056,297-74,056,298, GG duplicated. VCF-style (leftmost placement, unchanged base first): chr7-74056296-A-AGG. GRCh37 (hg19) VCF-style: chr7-73470626-A-AGG.
Other names: c.1147_1148dup, p.Ile384fs (NM_001081752.3, NM_001278917.2); c.1192_1193dup, p.Ile399fs (NM_001081753.3, NM_001081754.3); c.1177_1178dup, p.Ile394fs (NM_001081755.3, NM_001278912.2, NM_001278915.2 and 1 more transcripts); c.1069_1070dup, p.Ile358fs (NM_001278913.2); c.1162_1163dup, p.Ile389fs (NM_001278914.2); c.1135_1136dup, p.Ile380fs (NM_001278916.2); c.1045_1046dup, p.Ile350fs (NM_001278918.2); short protein forms I350fs, I358fs, I380fs, I384fs, I389fs, I394fs, I399fs.
Identifiers: ClinVar variation 5021111 (VCV005021111.1).

ClinVar aggregate classification (germline): Likely pathogenic (1 of 4 stars; one submission).

Conditions:
Supravalvar aortic stenosis (SVAS). Also called: Supravalvar aortic stenosis, Eisenberg type. Identifiers: Orphanet 3193, MedGen C0003499, MONDO:0008504, OMIM 185500, HP:0004381.

Submission:

Clinical Genetics Laboratory, Skane University Hospital Lund
Classification: Likely pathogenic for Supravalvar aortic stenosis. Last evaluated: 2026-09-11. Review status: criteria provided, single submitter. Criteria: ACMG Guidelines, 2015. Collection method: clinical testing. Allele origin: germline. Affected: yes.
Comment: ACMG criteria used: PVS1, PM2